The following is an entry in ClinVar:

NM_003356.4(UCP3):c.519A>G (p.Glu173=)

Gene: UCP3 (uncoupling protein 3; minus strand). Cytogenetic location: 11q13.4.
Variant type: single nucleotide variant.
Coding change: c.519A>G on transcript NM_003356.4 (MANE Select); coding-DNA position 519, A replaced by G.
Protein change: p.Glu173=; no amino-acid change (glutamic acid 173 retained).
Molecular consequence: synonymous variant.
Genome position (GRCh38, 1-based): chr11:74,005,752, T>C on the plus strand (A>G on the coding strand, the complement: UCP3 is on the minus strand). VCF-style: chr11-74005752-T-C. GRCh37 (hg19) VCF-style: chr11-73716797-T-C.
Other names: c.519A>G, p.Glu173= (NM_022803.3).
Identifiers: ClinVar variation 4994563 (VCV004994563.1).

ClinVar aggregate classification (germline): Likely benign (1 of 4 stars; one submission).

Conditions:
UCP3-related disorder. Also called: UCP3-related condition.

Submission:

PreventionGenetics, part of Exact Sciences
Classification: Likely benign for UCP3-related condition. Last evaluated: 2026-03-28. Review status: criteria provided, single submitter. Criteria: ACMG Guidelines, 2015. Collection method: clinical testing. Allele origin: germline.
Comment: This variant is classified as likely benign based on ACMG/AMP sequence variant interpretation guidelines (Richards et al. 2015 PMID: 25741868, with internal and published modifications).